The following is an entry in ClinVar:

NM_000553.6(WRN):c.2968-5T>A

Gene: WRN (WRN RecQ like helicase; plus strand). Cytogenetic location: 8p12.
Variant type: single nucleotide variant.
Coding change: c.2968-5T>A on transcript NM_000553.6 (MANE Select); 5 bases into the intron before coding-DNA position 2968, T replaced by A.
Molecular consequence: intron variant.
Genome position (GRCh38, 1-based): chr8:31,141,425, T>A. VCF-style: chr8-31141425-T-A. GRCh37 (hg19) VCF-style: chr8-30998941-T-A.
Identifiers: ClinVar variation 2184315 (VCV002184315.4), dbSNP rs1358478085, ClinGen allele CA2580078126.

ClinVar aggregate classification (germline): Uncertain significance (1 of 4 stars; one submission).

Conditions:
Werner syndrome (WRN). Identifiers: Orphanet 902, MedGen C0043119, MONDO:0010196, OMIM 277700.

Allele frequency attached by ClinVar (database versions not stated): gnomAD exomes below 0.00001.
gnomAD v4.1: 2 of 1,614,064 alleles (0.00012%); highest among the groups gnomAD compares: South Asian, 0.0022%; no homozygotes.

Submission:

Labcorp Genetics (formerly Invitae), Labcorp
Classification: Uncertain significance for Werner syndrome. Last evaluated: 2023-02-25. Review status: criteria provided, single submitter. Criteria: Invitae Variant Classification Sherloc (09022015). Collection method: clinical testing. Allele origin: germline.
Comment: Algorithms developed to predict the effect of sequence changes on RNA splicing suggest that this variant may disrupt the consensus splice site. In summary, the available evidence is currently insufficient to determine the role of this variant in disease. Therefore, it has been classified as a Variant of Uncertain Significance. ClinVar contains an entry for this variant (Variation ID: 2184315). This variant has not been reported in the literature in individuals affected with WRN-related conditions. This variant is not present in population databases (gnomAD no frequency). This sequence change falls in intron 24 of the WRN gene. It does not directly change the encoded amino acid sequence of the WRN protein.